The following is an entry in ClinVar:

NM_001122630.2(CDKN1C):c.718G>C (p.Ala240Pro)

Gene: CDKN1C (cyclin dependent kinase inhibitor 1C; minus strand). Cytogenetic location: 11p15.4.
Variant type: single nucleotide variant.
Coding change: c.718G>C on transcript NM_001122630.2 (MANE Select); coding-DNA position 718, G replaced by C.
Protein change: p.Ala240Pro; replaces alanine 240 with proline.
Molecular consequence: missense variant. On other transcripts: intron variant (1).
Genome position (GRCh38, 1-based): chr11:2,884,739, C>G on the plus strand (G>C on the coding strand, the complement: CDKN1C is on the minus strand). VCF-style: chr11-2884739-C-G. GRCh37 (hg19) VCF-style: chr11-2905969-C-G.
Other names: c.751G>C, p.Ala251Pro (NM_000076.2, NM_001362474.2); c.718G>C, p.Ala240Pro (NM_001122631.2); c.255+463G>C (NM_001362475.2); short protein forms A240P, A251P.
Identifiers: ClinVar variation 1047579 (VCV001047579.8), dbSNP rs1848920240, ClinGen allele CA379145651.

ClinVar aggregate classification (germline): Uncertain significance (1 of 4 stars; one submission).

Conditions:
Beckwith-Wiedemann syndrome (BWS). Also called: Exomphalos macroglossia gigantism syndrome; EMG SYNDROME. Identifiers: Orphanet 116, MedGen C0004903, MONDO:0007534, OMIM 130650.

Submission:

Labcorp Genetics (formerly Invitae), Labcorp
Classification: Uncertain significance for Beckwith-Wiedemann syndrome. Last evaluated: 2022-08-29. Review status: criteria provided, single submitter. Criteria: Invitae Variant Classification Sherloc (09022015). Collection method: clinical testing. Allele origin: germline.
Comment: In summary, the available evidence is currently insufficient to determine the role of this variant in disease. Therefore, it has been classified as a Variant of Uncertain Significance. Algorithms developed to predict the effect of missense changes on protein structure and function are either unavailable or do not agree on the potential impact of this missense change (SIFT: "Tolerated"; PolyPhen-2: "Not Available"; Align-GVGD: "Class C0"). ClinVar contains an entry for this variant (Variation ID: 1047579). This variant has not been reported in the literature in individuals affected with CDKN1C-related conditions. This variant is not present in population databases (gnomAD no frequency). This sequence change replaces alanine, which is neutral and non-polar, with proline, which is neutral and non-polar, at codon 251 of the CDKN1C protein (p.Ala251Pro).